The following is an entry in ClinVar:

NM_003579.4(RAD54L):c.1414G>A (p.Asp472Asn)

Gene: RAD54L (RAD54 like; plus strand). Cytogenetic location: 1p34.1.
Variant type: single nucleotide variant.
Coding change: c.1414G>A on transcript NM_003579.4 (MANE Select); coding-DNA position 1414, G replaced by A.
Protein change: p.Asp472Asn; replaces aspartic acid 472 with asparagine.
Molecular consequence: missense variant.
Genome position (GRCh38, 1-based): chr1:46,273,393, G>A. VCF-style: chr1-46273393-G-A. GRCh37 (hg19) VCF-style: chr1-46739065-G-A.
Other names: c.1414G>A, p.Asp472Asn (NM_001142548.2); c.874G>A, p.Asp292Asn (NM_001370766.1); short protein forms D292N, D472N.
Identifiers: ClinVar variation 1772105 (VCV001772105.3), dbSNP rs1430759152, ClinGen allele CA340180647.

ClinVar aggregate classification (germline): Uncertain significance (1 of 4 stars; one submission).

Allele frequency attached by ClinVar (database versions not stated): gnomAD exomes below 0.00001.
gnomAD v4.1: 3 of 1,613,958 alleles (0.00019%); highest among the groups gnomAD compares: Admixed American, 0.0033%; no homozygotes.

Submission:

Ambry Genetics
Classification: Uncertain significance. Last evaluated: 2024-08-08. Review status: criteria provided, single submitter. Criteria: Ambry Variant Classification Scheme 2023. Collection method: clinical testing. Allele origin: germline.
Comment: The p.D472N variant (also known as c.1414G>A), located in coding exon 13 of the RAD54L gene, results from a G to A substitution at nucleotide position 1414. The aspartic acid at codon 472 is replaced by asparagine, an amino acid with highly similar properties. This amino acid position is conserved. In addition, this alteration is predicted to be tolerated by in silico analysis. Since supporting evidence is limited at this time, the clinical significance of this alteration remains unclear.